The following is an entry in ClinVar:

NM_001379081.2(FREM1):c.2839G>T (p.Asp947Tyr)

Genes: FREM1 (FRAS1 related extracellular matrix 1; minus strand), LOC126860582 (P300/CBP strongly-dependent group 1 enhancer GRCh37_chr9:14812530-14813729; plus strand). Cytogenetic location: 9p22.3.
Variant type: single nucleotide variant.
Coding change: c.2839G>T on transcript NM_001379081.2 (MANE Select); coding-DNA position 2839, G replaced by T.
Protein change: p.Asp947Tyr; replaces aspartic acid 947 with tyrosine.
Molecular consequence: missense variant. On other transcripts: non-coding transcript variant (2).
Genome position (GRCh38, 1-based): chr9:14,812,866, C>A on the plus strand (G>T on the coding strand, the complement: FREM1 is on the minus strand). VCF-style: chr9-14812866-C-A. GRCh37 (hg19) VCF-style: chr9-14812864-C-A.
Other names: c.2839G>T, p.Asp947Tyr (NM_144966.7); short protein forms D947Y.
Identifiers: ClinVar variation 912775 (VCV000912775.10), dbSNP rs200811701, ClinGen allele CA4990796.
Genomic context (GRCh38, chr9:14,812,866, plus strand): 5'-GCTTACCTGTGTGTTTGTATGTCACGGCCTCTGAGATAACATCTCTCTGAGAGAACTGAT[C>A]CACTGTGACTCCAGCTCTCCTCACCACCCCATGCTGAGGTTCGCGAGCAATCACAAACAT-3'
Protein context (NP_001366010.1, residues 937-957): GVVRRAGVTV[Asp947Tyr]QFSQRDVISE

ClinVar aggregate classification (germline): Uncertain significance. Review status: criteria provided, multiple submitters, no conflicts (2 of 4 stars). 4 submissions from 4 submitters: Uncertain significance (4). Last evaluated 2024-09-18.

Conditions:
BNAR syndrome. Also called: Bifid Nose With or Without Anorectal and Renal Anomalies (BNAR) Syndrome. Identifiers: Orphanet 217266, MedGen C2750433, MONDO:0012165, OMIM 608980.
Oculotrichoanal syndrome (MOTA). Also called: MARLES SYNDROME; Manitoba Oculotrichoanal (MOTA) Syndrome. Identifiers: Orphanet 2717, MedGen C1855425, MONDO:0009560, OMIM 248450.
Trigonocephaly 2 (TRIGNO2). Identifiers: Orphanet 3366, MedGen C3280974, MONDO:0013774, OMIM 614485.

Allele frequency attached by ClinVar (database versions not stated): gnomAD exomes 0.00004 and 0.00013; TOPMed 0.00009; 1000 Genomes Project 0.00040; gnomAD 0.00004 and 0.00006; 1000 Genomes Project 30x 0.00031; ExAC 0.00014.
gnomAD v4.1: 62 of 1,613,792 alleles (0.0038%); highest among the groups gnomAD compares: East Asian, 0.094%; no homozygotes.

Submissions (4):

GeneDx
Classification: Uncertain significance. Last evaluated: 2024-09-18. Review status: criteria provided, single submitter. Criteria: GeneDx Variant Classification Process June 2021. Collection method: clinical testing. Allele origin: germline. Affected: yes.
Comment: In silico analysis supports that this missense variant has a deleterious effect on protein structure/function; Has not been previously published as pathogenic or benign to our knowledge

Labcorp Genetics (formerly Invitae), Labcorp
Classification: Uncertain significance. Last evaluated: 2024-06-03. Review status: criteria provided, single submitter. Criteria: Invitae Variant Classification Sherloc (09022015). Collection method: clinical testing. Allele origin: germline.
Comment: This sequence change replaces aspartic acid, which is acidic and polar, with tyrosine, which is neutral and polar, at codon 947 of the FREM1 protein (p.Asp947Tyr). This variant is present in population databases (rs200811701, gnomAD 0.1%). This variant has not been reported in the literature in individuals affected with FREM1-related conditions. ClinVar contains an entry for this variant (Variation ID: 912775). Advanced modeling of protein sequence and biophysical properties (such as structural, functional, and spatial information, amino acid conservation, physicochemical variation, residue mobility, and thermodynamic stability) has been performed at Invitae for this missense variant, however the output from this modeling did not meet the statistical confidence thresholds required to predict the impact of this variant on FREM1 protein function. In summary, the available evidence is currently insufficient to determine the role of this variant in disease. Therefore, it has been classified as a Variant of Uncertain Significance.

Fulgent Genetics
Classification: Uncertain significance for Oculotrichoanal syndrome; BNAR syndrome; Trigonocephaly 2. Last evaluated: 2024-05-14. Review status: criteria provided, single submitter. Criteria: ACMG Guidelines, 2015. Collection method: clinical testing. Allele origin: germline.

Illumina Laboratory Services, Illumina
Classification: Uncertain significance for Oculotrichoanal syndrome. Last evaluated: 2018-01-13. Review status: criteria provided, single submitter. Criteria: ICSL Variant Classification Criteria 13 December 2019. Collection method: clinical testing. Allele origin: germline.